The following is an entry in ClinVar:

ClinVar aggregate classification (germline): Pathogenic (1 of 4 stars; one submission).

Conditions:
Hermansky-Pudlak syndrome 3 (HPS3). Identifiers: Orphanet 231512, Orphanet 79430, MedGen C3888001, MONDO:0013555, OMIM 614072.

Submission:

Myriad Genetics, Inc.
Classification: Pathogenic for Hermansky-Pudlak syndrome 3. Last evaluated: 2024-05-14. Review status: criteria provided, single submitter. Criteria: Myriad Autosomal Dominant, Autosomal Recessive and X-Linked Classification Criteria (2023). Collection method: clinical testing. Allele origin: unknown.
Comment: NM_032383.3(HPS3):c.2653G>T(E885*) is expected to be pathogenic in the context of Hermansky-Pudlak syndrome, HPS3-related. This variant is predicted to lead to an abnormal or absent protein product due to the creation of a premature termination codon in HPS3, a gene where loss-of-function variants are known to be pathogenic. Please note: this variant was assessed in the context of healthy population screening.

NM_032383.5(HPS3):c.2653G>T (p.Glu885Ter)

Genes: CP (ceruloplasmin; minus strand), HPS3 (HPS3 biogenesis of lysosomal organelles complex 2 subunit 1; plus strand). Cytogenetic location: 3q24.
Variant type: single nucleotide variant.
Coding change: c.2653G>T on transcript NM_032383.5 (MANE Select); coding-DNA position 2653, G replaced by T.
Protein change: p.Glu885Ter; replaces glutamic acid 885 with a stop codon.
Molecular consequence: nonsense.
Genome position (GRCh38, 1-based): chr3:149,167,097, G>T. VCF-style: chr3-149167097-G-T. GRCh37 (hg19) VCF-style: chr3-148884884-G-T.
Other names: c.2158G>T, p.Glu720Ter (NM_001308258.2); short protein forms E720*, E885*.
Identifiers: ClinVar variation 5010563 (VCV005010563.1).